The following is an entry in ClinVar:

NM_000497.4(CYP11B1):c.1249T>C (p.Phe417Leu)

Genes: CYP11B1 (cytochrome P450 family 11 subfamily B member 1; minus strand), LOC106799833 (CYP11B1 recombination region; plus strand). Cytogenetic location: 8q24.3.
Variant type: single nucleotide variant.
Coding change: c.1249T>C on transcript NM_000497.4 (MANE Select); coding-DNA position 1249, T replaced by C.
Protein change: p.Phe417Leu; replaces phenylalanine 417 with leucine.
Molecular consequence: missense variant. On other transcripts: intron variant (1).
Genome position (GRCh38, 1-based): chr8:142,875,106, A>G on the plus strand (T>C on the coding strand, the complement: CYP11B1 is on the minus strand). VCF-style: chr8-142875106-A-G. GRCh37 (hg19) VCF-style: chr8-143956522-A-G.
Other names: c.1200+128T>C (NM_001026213.1); short protein forms F417L.
Identifiers: ClinVar variation 3902196 (VCV003902196.1).

ClinVar aggregate classification (germline): Uncertain significance (1 of 4 stars; one submission).

gnomAD v4.1: 4 of 1,614,242 alleles (0.00025%); highest among the groups gnomAD compares: South Asian, 0.0033%; no homozygotes.

Submission:

Women's Health and Genetics/Laboratory Corporation of America, LabCorp
Classification: Uncertain significance. Last evaluated: 2025-05-14. Review status: criteria provided, single submitter. Criteria: LabCorp Variant Classification Summary - May 2015. Collection method: clinical testing. Allele origin: germline.
Comment: Variant summary: CYP11B1 c.1249T>C (p.Phe417Leu) results in a non-conservative amino acid change in the encoded protein sequence. Algorithms developed to predict the effect of missense changes on protein structure and function all suggest that this variant is likely to be disruptive. The variant allele was found at a frequency of 2.5e-06 in 1607268 control chromosomes in the gnomAD database (v4.1 dataset). c.1249T>C has been observed in a homozygous individual affected with the non-classic form of 11-beta-hydroxylase deficiency (Karlekar_2021). These data indicate that the variant may be associated with disease. To our knowledge, no experimental evidence demonstrating an impact on protein function has been reported. The following publication have been ascertained in the context of this evaluation (PMID: 33275286). No submitters have cited clinical-significance assessments for this variant to ClinVar. Based on the evidence outlined above, the variant was classified as VUS-possibly pathogenic.

Literature cited by the submitters: PubMed 33275286.